The following is an entry in ClinVar:

ClinVar aggregate classification (germline): Uncertain significance. Review status: criteria provided, multiple submitters, no conflicts (2 of 4 stars). 2 submissions from 2 submitters: Uncertain significance (2). Last evaluated 2024-12-24.

Conditions:
Inborn genetic diseases. Identifiers: MedGen C0950123, MeSH D030342.

Allele frequency attached by ClinVar (database versions not stated): gnomAD 0.00001; gnomAD exomes 0.00002 and 0.00004; TOPMed 0.00002; ExAC 0.00003; ESP Exome Variant Server 0.00008.
gnomAD v4.1: 15 of 1,614,110 alleles (0.00093%); highest among the groups gnomAD compares: Admixed American, 0.023%; no homozygotes.

Submissions (2):

Ambry Genetics
Classification: Uncertain significance for Inborn genetic diseases. Last evaluated: 2024-12-24. Review status: criteria provided, single submitter. Criteria: Ambry Variant Classification Scheme 2023. Collection method: clinical testing. Allele origin: germline.

Labcorp Genetics (formerly Invitae), Labcorp
Classification: Uncertain significance. Last evaluated: 2022-05-27. Review status: criteria provided, single submitter. Criteria: Invitae Variant Classification Sherloc (09022015). Collection method: clinical testing. Allele origin: germline.
Comment: This sequence change replaces histidine, which is basic and polar, with arginine, which is basic and polar, at codon 224 of the TNFSF11 protein (p.His224Arg). This variant is present in population databases (rs370229620, gnomAD 0.02%). This variant has not been reported in the literature in individuals affected with TNFSF11-related conditions. Algorithms developed to predict the effect of missense changes on protein structure and function are either unavailable or do not agree on the potential impact of this missense change (SIFT: "Deleterious"; PolyPhen-2: "Probably Damaging"; Align-GVGD: "Class C0"). In summary, the available evidence is currently insufficient to determine the role of this variant in disease. Therefore, it has been classified as a Variant of Uncertain Significance.

NM_003701.4(TNFSF11):c.671A>G (p.His224Arg)

Gene: TNFSF11 (TNF superfamily member 11; plus strand). Cytogenetic location: 13q14.11.
Variant type: single nucleotide variant.
Coding change: c.671A>G on transcript NM_003701.4 (MANE Select); coding-DNA position 671, A replaced by G.
Protein change: p.His224Arg; replaces histidine 224 with arginine.
Molecular consequence: missense variant.
Genome position (GRCh38, 1-based): chr13:42,606,635, A>G. VCF-style: chr13-42606635-A-G. GRCh37 (hg19) VCF-style: chr13-43180771-A-G.
Other names: c.452A>G, p.His151Arg (NM_033012.4); c.671A>G (NM_003701.3); short protein forms H151R, H224R.
Identifiers: ClinVar variation 1424341 (VCV001424341.6), dbSNP rs370229620, ClinGen allele CA6967282.